The following is an entry in ClinVar:

ClinVar aggregate classification (germline): Pathogenic. Review status: criteria provided, multiple submitters, no conflicts (2 of 4 stars). 2 submissions from 2 submitters: Pathogenic (2). Last evaluated 2024-11-05.

Conditions:
Cardiovascular phenotype. Identifiers: MedGen CN230736.
Hereditary cancer-predisposing syndrome. Also called: Tumor predisposition; Hereditary Cancer Syndrome; Hereditary neoplastic syndrome; Neoplastic Syndromes, Hereditary. Identifiers: Orphanet 140162, MedGen C0027672, MeSH D009386, MONDO:0015356.
Neurofibromatosis, type 1 (NF1). Also called: Peripheral type neurofibromatosis; VON RECKLINGHAUSEN DISEASE; NEUROFIBROMATOSIS, TYPE I, SOMATIC; Neurofibromatosis, type I. Identifiers: Orphanet 636, MedGen C0027831, MONDO:0018975, OMIM 162200. Disease mechanism: loss of function.

Submissions (2):

Labcorp Genetics (formerly Invitae), Labcorp
Classification: Pathogenic for Neurofibromatosis, type 1. Last evaluated: 2024-11-05. Review status: criteria provided, single submitter. Criteria: Invitae Variant Classification Sherloc (09022015). Collection method: clinical testing. Allele origin: germline.
Comment: This sequence change creates a premature translational stop signal (p.Ser2165*) in the NF1 gene. It is expected to result in an absent or disrupted protein product. Loss-of-function variants in NF1 are known to be pathogenic (PMID: 10712197, 23913538). This variant is not present in population databases (gnomAD no frequency). This premature translational stop signal has been observed in individual(s) with neurofibromatosis type I (PMID: 16835897). ClinVar contains an entry for this variant (Variation ID: 2137996). Algorithms developed to predict the effect of sequence changes on RNA splicing suggest that this variant may disrupt the consensus splice site. For these reasons, this variant has been classified as Pathogenic.

Ambry Genetics
Classification: Pathogenic for Cardiovascular phenotype; Hereditary cancer-predisposing syndrome. Last evaluated: 2023-01-18. Review status: criteria provided, single submitter. Criteria: Ambry Variant Classification Scheme 2023. Collection method: clinical testing. Allele origin: germline.
Comment: The p.S2165* pathogenic mutation (also known as c.6494C>A), located in coding exon 42 of the NF1 gene, results from a C to A substitution at nucleotide position 6494. This changes the amino acid from a serine to a stop codon within coding exon 42. This alteration was observed in 1/77 Taiwanese/Chinese patients meeting diagnostic criteria for NF1 (Lee MJ et al. Hum Mutat, 2006 Aug;27:832). This variant is considered to be rare based on population cohorts in the Genome Aggregation Database (gnomAD). In addition to the clinical data presented in the literature, this alteration is expected to result in loss of function by premature protein truncation or nonsense-mediated mRNA decay. As such, this alteration is interpreted as a disease-causing mutation.

Literature cited by the submitters: PubMed 10712197 (cited by Labcorp Genetics (formerly Invitae), Labcorp); PubMed 23913538 (cited by Labcorp Genetics (formerly Invitae), Labcorp); PubMed 16835897 (cited by Labcorp Genetics (formerly Invitae), Labcorp).

NM_001042492.3(NF1):c.6557C>A (p.Ser2186Ter)

Gene: NF1 (neurofibromin 1; plus strand). Cytogenetic location: 17q11.2.
Variant type: single nucleotide variant.
Coding change: c.6557C>A on transcript NM_001042492.3 (MANE Select); coding-DNA position 6557, C replaced by A.
Protein change: p.Ser2186Ter; replaces serine 2186 with a stop codon.
Molecular consequence: nonsense.
Genome position (GRCh38, 1-based): chr17:31,337,497, C>A. VCF-style: chr17-31337497-C-A. GRCh37 (hg19) VCF-style: chr17-29664515-C-A.
Other names: c.6494C>A, p.Ser2165Ter (NM_000267.4); short protein forms S2165*, S2186*.
Identifiers: ClinVar variation 2137996 (VCV002137996.6), dbSNP rs1131691091, ClinGen allele CA399013273.